The following is an entry in ClinVar:

ClinVar aggregate classification (germline): Benign/Likely benign. Review status: criteria provided, multiple submitters, no conflicts (2 of 4 stars). 3 submissions from 3 submitters: Benign (2); Likely benign (1). Last evaluated 2026-01-28.

Conditions:
Pyruvate dehydrogenase E3 deficiency (DLDD). Also called: Dihydrolipoamide Dehydrogenase (E3) Deficiency; MAPLE SYRUP URINE DISEASE, TYPE III; Lipoamide dehydrogenase deficiency, lactic acidosis due to; Lipoamide dehydrogenase deficiency; Dihydrolipoamide Dehydrogenase Deficiency; DLD DEFICIENCY. Identifiers: Orphanet 2394, Orphanet 765, MedGen C5574660, MONDO:0009529, OMIM 246900.

Allele frequency attached by ClinVar (database versions not stated): gnomAD exomes 0.00086; ExAC 0.00091; gnomAD 0.00319 and 0.00341; ESP Exome Variant Server 0.00354; 1000 Genomes Project 30x 0.00359; TOPMed 0.00347; 1000 Genomes Project 0.00359.
gnomAD v4.1: 950 of 1,614,030 alleles (0.059%); highest among the groups gnomAD compares: African/African-American, 1.1%; 4 homozygotes.

Submissions (4):

Labcorp Genetics (formerly Invitae), Labcorp
Classification: Benign for Pyruvate dehydrogenase E3 deficiency. Last evaluated: 2026-01-28. Review status: criteria provided, single submitter. Criteria: Invitae Variant Classification Sherloc (09022015). Collection method: clinical testing. Allele origin: germline.

Blueprint Genetics
Classification: Likely benign. Last evaluated: 2024-11-13. Review status: criteria provided, single submitter. Criteria: ACMG Guidelines, 2015. Collection method: clinical testing. Allele origin: germline.

GeneDx
Classification: Benign. Last evaluated: 2013-06-03. Review status: criteria provided, single submitter. Criteria: GeneDx Variant Classification (06012015). Collection method: clinical testing. Allele origin: germline. Affected: yes.
Comment: This variant is considered likely benign or benign based on one or more of the following criteria: it is a conservative change, it occurs at a poorly conserved position in the protein, it is predicted to be benign by multiple in silico algorithms, and/or has population frequency not consistent with disease.

Dr. Peter K. Rogan Lab, Western University
No classification provided (evidence only). Condition: Acute myeloid leukemia. Review status: no classification provided. Collection method: in vitro. Allele origin: not applicable. Functional consequence: retained intron. Not counted in ClinVar's aggregate classification.

NM_000108.5(DLD):c.1236+13A>G

Gene: DLD (dihydrolipoamide dehydrogenase; plus strand). Cytogenetic location: 7q31.1.
Variant type: single nucleotide variant.
Coding change: c.1236+13A>G on transcript NM_000108.5 (MANE Select); 13 bases into the intron after coding-DNA position 1236, A replaced by G.
Molecular consequence: intron variant.
Genome position (GRCh38, 1-based): chr7:107,917,475, A>G. VCF-style: chr7-107917475-A-G. GRCh37 (hg19) VCF-style: chr7-107557920-A-G.
Other names: c.1092+13A>G (NM_001289752.1); c.1167+13A>G (NM_001289751.1); c.939+13A>G (NM_001289750.1).
Identifiers: ClinVar variation 137099 (VCV000137099.12), dbSNP rs2701026, ClinGen allele CA290610.